The following is an entry in ClinVar:

ClinVar aggregate classification (germline): Uncertain significance (1 of 4 stars; one submission).

Conditions:
Hereditary cancer-predisposing syndrome. Also called: Hereditary Cancer Syndrome; Hereditary neoplastic syndrome; Neoplastic Syndromes, Hereditary; Tumor predisposition. Identifiers: Orphanet 140162, MedGen C0027672, MeSH D009386, MONDO:0015356.

Submission:

Ambry Genetics
Classification: Uncertain significance for Hereditary cancer-predisposing syndrome. Last evaluated: 2022-09-19. Review status: criteria provided, single submitter. Criteria: Ambry Variant Classification Scheme 2023. Collection method: clinical testing. Allele origin: germline.
Comment: The p.S348P variant (also known as c.1042T>C), located in coding exon 4 of the MSH6 gene, results from a T to C substitution at nucleotide position 1042. The serine at codon 348 is replaced by proline, an amino acid with similar properties. This amino acid position is well conserved in available vertebrate species. In addition, the in silico prediction for this alteration is inconclusive. Since supporting evidence is limited at this time, the clinical significance of this alteration remains unclear.

NM_000179.3(MSH6):c.1042T>C (p.Ser348Pro)

Gene: MSH6 (mutS homolog 6; plus strand). Cytogenetic location: 2p16.3.
Variant type: single nucleotide variant.
Coding change: c.1042T>C on transcript NM_000179.3 (MANE Select); coding-DNA position 1042, T replaced by C.
Protein change: p.Ser348Pro; replaces serine 348 with proline.
Molecular consequence: missense variant.
Genome position (GRCh38, 1-based): chr2:47,799,025, T>C. VCF-style: chr2-47799025-T-C. GRCh37 (hg19) VCF-style: chr2-48026164-T-C.
Other names: c.652T>C, p.Ser218Pro (NM_001281492.2); c.136T>C, p.Ser46Pro (NM_001281493.2, NM_001281494.2, NM_001406811.1 and 6 more transcripts); c.1138T>C, p.Ser380Pro (NM_001406795.1, NM_001406802.1); c.1042T>C, p.Ser348Pro (NM_001406796.1, NM_001406798.1, NM_001406800.1 and 4 more transcripts); c.745T>C, p.Ser249Pro (NM_001406797.1, NM_001406801.1, NM_001406805.1 and 10 more transcripts); c.517T>C, p.Ser173Pro (NM_001406799.1, NM_001406806.1, NM_001406807.1); c.964T>C, p.Ser322Pro (NM_001406804.1); c.1048T>C, p.Ser350Pro (NM_001406813.1); and 1 more; short protein forms S322P, S380P, S218P, S249P, S292P, S46P, S173P, S348P.
Identifiers: ClinVar variation 1774622 (VCV001774622.2), dbSNP rs2530585370, ClinGen allele CA346741472.
Genomic context (GRCh38, chr2:47,799,025, plus strand): 5'-AGCATTTCATCAGAAACCAAGAATACTTTGAGAGCTTTCTCTGCCCCTCAAAATTCTGAA[T>C]CCCAAGCCCACGTTAGTGGAGGTGGTGATGACAGTAGTCGCCCTACTGTTTGGTATCATG-3'
Protein context (NP_000170.1, residues 338-358): RAFSAPQNSE[Ser348Pro]QAHVSGGGDD